The following is an entry in ClinVar:

NM_001039591.3(USP9X):c.3624A>G (p.Pro1208=)

Gene: USP9X (ubiquitin specific peptidase 9 X-linked; plus strand). Cytogenetic location: Xp11.4.
Variant type: single nucleotide variant.
Coding change: c.3624A>G on transcript NM_001039591.3 (MANE Select); coding-DNA position 3624, A replaced by G.
Protein change: p.Pro1208=; no amino-acid change (proline 1208 retained).
Molecular consequence: synonymous variant.
Genome position (GRCh38, 1-based): chrX:41,186,582, A>G. VCF-style: chrX-41186582-A-G. GRCh37 (hg19) VCF-style: chrX-41045835-A-G.
Other names: c.3624A>G, p.Pro1208= (NM_001039590.3); c.3639A>G, p.Pro1213= (NM_001410748.1, NM_001410749.1).
Identifiers: ClinVar variation 3049872 (VCV003049872.3), dbSNP rs779608138, ClinGen allele CA10388740.

ClinVar aggregate classification (germline): Benign. Review status: criteria provided, single submitter (1 of 4 stars). 2 submissions from 2 submitters: Benign (1). 1 of the submissions does not count toward it. Last evaluated 2025-06-08.

Conditions:
USP9X-related disorder. Also called: USP9X-related condition.

Allele frequency attached by ClinVar (database versions not stated): TOPMed below 0.00001; gnomAD 0.00002; gnomAD exomes 0.00004; ExAC 0.00007; 1000 Genomes Project 0.00053; 1000 Genomes Project 30x 0.00062.

Submissions (2):

Labcorp Genetics (formerly Invitae), Labcorp
Classification: Benign. Last evaluated: 2025-06-08. Review status: criteria provided, single submitter. Criteria: Invitae Variant Classification Sherloc (09022015). Collection method: clinical testing. Allele origin: germline.

PreventionGenetics, part of Exact Sciences
Classification: Likely benign for USP9X-related condition. Last evaluated: 2019-07-19. Review status: no assertion criteria provided. Collection method: clinical testing. Allele origin: germline. Not counted in ClinVar's aggregate classification.
Comment: This variant is classified as likely benign based on ACMG/AMP sequence variant interpretation guidelines (Richards et al. 2015 PMID: 25741868, with internal and published modifications).